The following is an entry in ClinVar:

NM_000081.4(LYST):c.3536A>G (p.Asn1179Ser)

Gene: LYST (lysosomal trafficking regulator; minus strand). Cytogenetic location: 1q42.3.
Variant type: single nucleotide variant.
Coding change: c.3536A>G on transcript NM_000081.4 (MANE Select); coding-DNA position 3536, A replaced by G.
Protein change: p.Asn1179Ser; replaces asparagine 1179 with serine.
Molecular consequence: missense variant.
Genome position (GRCh38, 1-based): chr1:235,804,523, T>C on the plus strand (A>G on the coding strand, the complement: LYST is on the minus strand). VCF-style: chr1-235804523-T-C. GRCh37 (hg19) VCF-style: chr1-235967823-T-C.
Other names: c.3536A>G, p.Asn1179Ser (NM_001301365.1); short protein forms N1179S.
Identifiers: ClinVar variation 647745 (VCV000647745.6), dbSNP rs201085929, ClinGen allele CA1467057.

ClinVar aggregate classification (germline): Conflicting classifications of pathogenicity. Review status: criteria provided, conflicting classifications (1 of 4 stars). 3 submissions from 3 submitters: Uncertain significance (2); Likely benign (1). Last evaluated 2024-06-26.

Conditions:
Chédiak-Higashi syndrome (CHS). Also called: Chediak-Higashi Syndrome. Identifiers: Orphanet 167, MedGen C0007965, MONDO:0008963, OMIM 214500.

Allele frequency attached by ClinVar (database versions not stated): gnomAD 0.00005; TOPMed 0.00005; gnomAD exomes 0.00006; ExAC 0.00007; ESP Exome Variant Server 0.00008.
gnomAD v4.1: 89 of 1,613,572 alleles (0.0055%); highest among the groups gnomAD compares: South Asian, 0.02%; no homozygotes.

Submissions (3):

Blueprint Genetics
Classification: Likely benign. Last evaluated: 2024-06-26. Review status: criteria provided, single submitter. Criteria: ACMG Guidelines, 2015. Collection method: clinical testing. Allele origin: germline.

Labcorp Genetics (formerly Invitae), Labcorp
Classification: Uncertain significance for Chédiak-Higashi syndrome. Last evaluated: 2022-09-01. Review status: criteria provided, single submitter. Criteria: Invitae Variant Classification Sherloc (09022015). Collection method: clinical testing. Allele origin: germline.
Comment: This sequence change replaces asparagine, which is neutral and polar, with serine, which is neutral and polar, at codon 1179 of the LYST protein (p.Asn1179Ser). This variant is present in population databases (rs201085929, gnomAD 0.02%). This variant has not been reported in the literature in individuals affected with LYST-related conditions. ClinVar contains an entry for this variant (Variation ID: 647745). Algorithms developed to predict the effect of missense changes on protein structure and function output the following: SIFT: "Tolerated"; PolyPhen-2: "Benign"; Align-GVGD: "Class C0". The serine amino acid residue is found in multiple mammalian species, which suggests that this missense change does not adversely affect protein function. In summary, the available evidence is currently insufficient to determine the role of this variant in disease. Therefore, it has been classified as a Variant of Uncertain Significance.

Center for Genomics, Ann and Robert H. Lurie Children's Hospital of Chicago
Classification: Uncertain significance for Chédiak-Higashi syndrome. Last evaluated: 2021-06-17. Review status: criteria provided, single submitter. Criteria: ACMG Guidelines, 2015. Collection method: clinical testing. Allele origin: germline.
Comment: LYST NM_000081.3 exon 7 p.Asn1179Ser (c.3536A>G): This variant has not been reported in the literature but is present in 0.01% (7/68036) of European alleles in the Genome Aggregation Database. This variant is present in ClinVar (Variation ID:647745). This variant amino acid Serine (Ser) is present in >30 species including mammals and is not well conserved among evolutionarily distant species; this suggests that this variant may not impact the protein. Additional computational prediction tools do not suggest an impact. In summary, data on this variant is insufficient for disease classification. Therefore, the clinical significance of this variant is uncertain.